The following is an entry in ClinVar:

ClinVar aggregate classification (germline): Uncertain significance (1 of 4 stars; one submission).

Conditions:
Hereditary cancer-predisposing syndrome. Also called: Neoplastic Syndromes, Hereditary; Tumor predisposition; Hereditary Cancer Syndrome; Hereditary neoplastic syndrome. Identifiers: Orphanet 140162, MedGen C0027672, MeSH D009386, MONDO:0015356.

Submission:

Ambry Genetics
Classification: Uncertain significance for Hereditary cancer-predisposing syndrome. Last evaluated: 2026-06-02. Review status: criteria provided, single submitter. Criteria: Ambry Variant Classification Scheme 2023. Collection method: clinical testing. Allele origin: germline.
Comment: The p.G134A variant (also known as c.401G>C), located in coding exon 4 of the SDHA gene, results from a G to C substitution at nucleotide position 401. The glycine at codon 134 is replaced by alanine, an amino acid with similar properties. This amino acid position is highly conserved in available vertebrate species. In addition, this alteration is predicted to be deleterious by in silico analysis. Based on the available evidence, the clinical significance of this variant remains unclear.

NM_004168.4(SDHA):c.401G>C (p.Gly134Ala)

Gene: SDHA (succinate dehydrogenase complex flavoprotein subunit A; plus strand). Cytogenetic location: 5p15.33.
Variant type: single nucleotide variant.
Coding change: c.401G>C on transcript NM_004168.4 (MANE Select); coding-DNA position 401, G replaced by C.
Protein change: p.Gly134Ala; replaces glycine 134 with alanine.
Molecular consequence: missense variant. On other transcripts: intron variant (1).
Genome position (GRCh38, 1-based): chr5:225,507, G>C. VCF-style: chr5-225507-G-C. GRCh37 (hg19) VCF-style: chr5-225622-G-C.
Other names: c.401G>C, p.Gly134Ala (NM_001330758.2); c.313-376G>C (NM_001294332.2); short protein forms G134A.
Identifiers: ClinVar variation 3438709 (VCV003438709.2).